The following is an entry in ClinVar:

ClinVar aggregate classification (germline): Likely pathogenic (1 of 4 stars; one submission).

Conditions:
Autism, susceptibility to, X-linked 4 (AUTSX4). Identifiers: MedGen C0795888, MONDO:0010440, OMIM 300830.

Submission:

Pittsburgh Clinical Genomics Laboratory, University of Pittsburgh Medical Center
Classification: Likely pathogenic for Autism, susceptibility to, X-linked 4. Last evaluated: 2021-08-10. Review status: criteria provided, single submitter. Criteria: ACMG Guidelines, 2015. Collection method: clinical testing. Allele origin: germline. Inheritance: X-linked recessive inheritance. Affected: yes.
Comment: This sequence variant is a single nucleotide duplication (dupA) that generates a premature termition codon 9 amino acids downstream of the frameshift at the Gly389 residue of the PTHD1 protein. This variant is predicted to generate a non-functiol allele through either the expression of a truncated protein, or a loss of PTCHD1 expression due to nonsense mediated decay. This variant has not been reported to databases of clinically annotated variants (ClinVar) and has not been observed in the literature in individuals with PTCHD1-related disease, to our knowledge. This variant is absent from control population datasets (gnomAD database). Because haploinsufficiency is a known mechanism of disease for PTCHD1 (PMID: 25131214), we consider this variant to be likely pathogenic. ACMG Criteria: PM2, PVS1

Literature cited by the submitters: PubMed 25131214.

NM_173495.3(PTCHD1):c.1164dup (p.Gly389fs)

Gene: PTCHD1 (patched domain containing 1; plus strand). Cytogenetic location: Xp22.11.
Variant type: Duplication.
Coding change: c.1164dup on transcript NM_173495.3 (MANE Select); coding-DNA position 1164, one base duplicated (A; older notation c.1164dupA).
Protein change: p.Gly389fs; shifts the reading frame from glycine 389.
Molecular consequence: frameshift variant.
Genome position (GRCh38, 1-based): chrX:23,392,682, A duplicated. VCF-style (leftmost placement, unchanged base first): chrX-23392681-T-TA. GRCh37 (hg19) VCF-style: chrX-23410798-T-TA.
Other names: short protein forms G389fs.
Identifiers: ClinVar variation 3376263 (VCV003376263.1).